The following is an entry in ClinVar:

NM_001364905.1(LRBA):c.2938C>A (p.Pro980Thr)

Gene: LRBA (LPS responsive beige-like anchor protein; minus strand). Cytogenetic location: 4q31.3.
Variant type: single nucleotide variant.
Coding change: c.2938C>A on transcript NM_001364905.1 (MANE Select); coding-DNA position 2938, C replaced by A.
Protein change: p.Pro980Thr; replaces proline 980 with threonine.
Molecular consequence: missense variant.
Genome position (GRCh38, 1-based): chr4:150,852,772, G>T on the plus strand (C>A on the coding strand, the complement: LRBA is on the minus strand). VCF-style: chr4-150852772-G-T. GRCh37 (hg19) VCF-style: chr4-151773924-G-T.
Other names: c.2938C>A, p.Pro980Thr (NM_001199282.3, NM_001367550.1, NM_006726.5); short protein forms P980T.
Identifiers: ClinVar variation 863902 (VCV000863902.9), dbSNP rs1750764106, ClinGen allele CA358460171.

ClinVar aggregate classification (germline): Uncertain significance (1 of 4 stars; one submission).

Conditions:
Combined immunodeficiency due to LRBA deficiency. Also called: Common variable immunodeficiency 8, with autoimmunity. Identifiers: Orphanet 445018, MedGen C3553512, MONDO:0013863, OMIM 614700.

gnomAD v4.1: 4 of 1,614,016 alleles (0.00025%); highest among the groups gnomAD compares: Non-Finnish European, 0.00034%; no homozygotes.

Submission:

Labcorp Genetics (formerly Invitae), Labcorp
Classification: Uncertain significance for Combined immunodeficiency due to LRBA deficiency. Last evaluated: 2019-04-01. Review status: criteria provided, single submitter. Criteria: Invitae Variant Classification Sherloc (09022015). Collection method: clinical testing. Allele origin: germline.
Comment: In summary, the available evidence is currently insufficient to determine the role of this variant in disease. Therefore, it has been classified as a Variant of Uncertain Significance. Algorithms developed to predict the effect of missense changes on protein structure and function (SIFT, PolyPhen-2, Align-GVGD) all suggest that this variant is likely to be tolerated, but these predictions have not been confirmed by published functional studies and their clinical significance is uncertain. This variant has not been reported in the literature in individuals with LRBA-related conditions. This variant is not present in population databases (ExAC no frequency). This sequence change replaces proline with threonine at codon 980 of the LRBA protein (p.Pro980Thr). The proline residue is weakly conserved and there is a small physicochemical difference between proline and threonine.